The following is an entry in ClinVar:

NM_000179.3(MSH6):c.790G>A (p.Glu264Lys)

Gene: MSH6 (mutS homolog 6; plus strand). Cytogenetic location: 2p16.3.
Variant type: single nucleotide variant.
Coding change: c.790G>A on transcript NM_000179.3 (MANE Select); coding-DNA position 790, G replaced by A.
Protein change: p.Glu264Lys; replaces glutamic acid 264 with lysine.
Molecular consequence: missense variant. On other transcripts: 5 prime UTR variant (9), non-coding transcript variant (4), intron variant (1).
Genome position (GRCh38, 1-based): chr2:47,798,773, G>A. VCF-style: chr2-47798773-G-A. GRCh37 (hg19) VCF-style: chr2-48025912-G-A.
Other names: c.493G>A, p.Glu165Lys (NM_001406820.1, NM_001406821.1, NM_001406822.1 and 10 more transcripts); c.-117G>A (NM_001406823.1, NM_001406829.1, NM_001281493.2 and 6 more transcripts); c.622G>A, p.Glu208Lys (NM_001406826.1); c.628-1893G>A (NM_001407362.1); c.400G>A, p.Glu134Lys (NM_001281492.2); c.886G>A, p.Glu296Lys (NM_001406795.1, NM_001406802.1); c.790G>A, p.Glu264Lys (NM_001406796.1, NM_001406798.1, NM_001406800.1 and 4 more transcripts); c.265G>A, p.Glu89Lys (NM_001406799.1, NM_001406806.1, NM_001406807.1); and 2 more; short protein forms E238K, E208K, E296K, E89K, E134K, E165K, E264K, E266K.
Identifiers: ClinVar variation 3572006 (VCV003572006.2).

ClinVar aggregate classification (germline): Uncertain significance. Review status: criteria provided, multiple submitters, no conflicts (2 of 4 stars). 2 submissions from 2 submitters: Uncertain significance (2). Last evaluated 2026-03-24.

Submissions (2):

Women's Health and Genetics/Laboratory Corporation of America, LabCorp
Classification: Uncertain significance. Last evaluated: 2026-03-24. Review status: criteria provided, single submitter. Criteria: LabCorp Variant Classification Summary - May 2015. Collection method: clinical testing. Allele origin: germline.
Comment: Variant summary: MSH6 c.790G>A (p.Glu264Lys) results in a conservative amino acid change in the encoded protein sequence. Algorithms developed to predict the effect of missense changes on protein structure and function are either unavailable or do not agree on the potential impact of this missense change. The variant was absent in 251126 control chromosomes. The available data on variant occurrences in the general population are insufficient to allow any conclusion about variant significance. To our knowledge, no occurrence of c.790G>A in individuals affected with MSH6-related conditions and no experimental evidence demonstrating its impact on protein function have been reported. ClinVar contains an entry for this variant (Variation ID: 3572006). Based on the evidence outlined above, the variant was classified as uncertain significance.

Quest Diagnostics Nichols Institute San Juan Capistrano
Classification: Uncertain significance. Last evaluated: 2023-11-30. Review status: criteria provided, single submitter. Criteria: Quest Diagnostics criteria. Collection method: clinical testing. Allele origin: unknown.
Comment: The MSH6 c.790G>A (p.Glu264Lys) variant has not been reported in individuals with MSH6-related conditions in the published literature. It also has not been reported in large, multi-ethnic general populations (Genome Aggregation Database). Analysis of this variant using bioinformatics tools for the prediction of the effect of amino acid changes on protein structure and function yielded conflicting predictions that this variant is benign or damaging. Based on the available information, we are unable to determine the clinical significance of this variant.